The following is an entry in ClinVar:

ClinVar aggregate classification (germline): Likely benign (1 of 4 stars; one submission).

gnomAD v4.1: 3 of 1,613,500 alleles (0.00019%); highest among the groups gnomAD compares: Non-Finnish European, 0.00025%; no homozygotes.

Submission:

GeneDx
Classification: Likely benign. Last evaluated: 2017-02-21. Review status: criteria provided, single submitter. Criteria: GeneDx Variant Classification (06012015). Collection method: clinical testing. Allele origin: germline. Affected: yes.
Comment: This variant is considered likely benign or benign based on one or more of the following criteria: it is a conservative change, it occurs at a poorly conserved position in the protein, it is predicted to be benign by multiple in silico algorithms, and/or has population frequency not consistent with disease.

NM_182961.4(SYNE1):c.4965C>A (p.Ala1655=)

Gene: SYNE1 (spectrin repeat containing nuclear envelope protein 1; minus strand). Cytogenetic location: 6q25.2.
Variant type: single nucleotide variant.
Coding change: c.4965C>A on transcript NM_182961.4 (MANE Select); coding-DNA position 4965, C replaced by A.
Protein change: p.Ala1655=; no amino-acid change (alanine 1655 retained).
Molecular consequence: synonymous variant.
Genome position (GRCh38, 1-based): chr6:152,428,216, G>T on the plus strand (C>A on the coding strand, the complement: SYNE1 is on the minus strand). VCF-style: chr6-152428216-G-T. GRCh37 (hg19) VCF-style: chr6-152749351-G-T.
Other names: c.4986C>A, p.Ala1662= (NM_033071.5).
Identifiers: ClinVar variation 507559 (VCV000507559.1), dbSNP rs765695344, ClinGen allele CA452764724.